The following is an entry in ClinVar:

NM_002709.3(PPP1CB):c.296C>G (p.Ser99Cys)

Gene: PPP1CB (protein phosphatase 1 catalytic subunit beta; plus strand). Cytogenetic location: 2p23.2.
Variant type: single nucleotide variant.
Coding change: c.296C>G on transcript NM_002709.3 (MANE Select); coding-DNA position 296, C replaced by G.
Protein change: p.Ser99Cys; replaces serine 99 with cysteine.
Molecular consequence: missense variant.
Genome position (GRCh38, 1-based): chr2:28,778,920, C>G. VCF-style: chr2-28778920-C-G. GRCh37 (hg19) VCF-style: chr2-29001786-C-G.
Other names: c.296C>G (NM_206876.1); c.296C>G, p.Ser99Cys (NM_206876.2); short protein forms S99C.
Identifiers: ClinVar variation 3631459 (VCV003631459.3).

ClinVar aggregate classification (germline): Uncertain significance. Review status: criteria provided, multiple submitters, no conflicts (2 of 4 stars). 2 submissions from 2 submitters: Uncertain significance (2). Last evaluated 2025-10-29.

Conditions:
Cardiovascular phenotype. Identifiers: MedGen CN230736.

Submissions (2):

Ambry Genetics
Classification: Uncertain significance for Cardiovascular phenotype. Last evaluated: 2025-10-29. Review status: criteria provided, single submitter. Criteria: Ambry Variant Classification Scheme 2023. Collection method: clinical testing. Allele origin: germline.
Comment: The p.S99C variant (also known as c.296C>G), located in coding exon 3 of the PPP1CB gene, results from a C to G substitution at nucleotide position 296. The serine at codon 99 is replaced by cysteine, an amino acid with dissimilar properties. This amino acid position is conserved. In addition, this alteration is predicted to be deleterious by in silico analysis. Based on the available evidence, the clinical significance of this variant remains unclear.

Labcorp Genetics (formerly Invitae), Labcorp
Classification: Uncertain significance. Last evaluated: 2024-08-28. Review status: criteria provided, single submitter. Criteria: Invitae Variant Classification Sherloc (09022015). Collection method: clinical testing. Allele origin: germline.
Comment: This sequence change replaces serine, which is neutral and polar, with cysteine, which is neutral and slightly polar, at codon 99 of the PPP1CB protein (p.Ser99Cys). This variant is not present in population databases (gnomAD no frequency). This variant has not been reported in the literature in individuals affected with PPP1CB-related conditions. Invitae Evidence Modeling of protein sequence and biophysical properties (such as structural, functional, and spatial information, amino acid conservation, physicochemical variation, residue mobility, and thermodynamic stability) has been performed for this missense variant. However, the output from this modeling did not meet the statistical confidence thresholds required to predict the impact of this variant on PPP1CB protein function. In summary, the available evidence is currently insufficient to determine the role of this variant in disease. Therefore, it has been classified as a Variant of Uncertain Significance.